The following is an entry in ClinVar:

ClinVar aggregate classification (germline): Uncertain significance (1 of 4 stars; one submission).

Submission:

GeneDx
Classification: Uncertain significance. Last evaluated: 2025-08-07. Review status: criteria provided, single submitter. Criteria: GeneDx Variant Classification Process June 2021. Collection method: clinical testing. Allele origin: germline. Affected: yes.
Comment: Not observed at significant frequency in large population cohorts (gnomAD); In silico analysis supports that this missense variant has a deleterious effect on protein structure/function; Has not been previously published as pathogenic or benign to our knowledge

NM_002715.4(PPP2CA):c.370A>C (p.Thr124Pro)

Gene: PPP2CA (protein phosphatase 2 catalytic subunit alpha; minus strand). Cytogenetic location: 5q31.1.
Variant type: single nucleotide variant.
Coding change: c.370A>C on transcript NM_002715.4 (MANE Select); coding-DNA position 370, A replaced by C.
Protein change: p.Thr124Pro; replaces threonine 124 with proline.
Molecular consequence: missense variant. On other transcripts: non-coding transcript variant (1).
Genome position (GRCh38, 1-based): chr5:134,201,964, T>G on the plus strand (A>C on the coding strand, the complement: PPP2CA is on the minus strand). VCF-style: chr5-134201964-T-G. GRCh37 (hg19) VCF-style: chr5-133537655-T-G.
Other names: c.175A>C, p.Thr59Pro (NM_001355019.2); short protein forms T124P, T59P.
Identifiers: ClinVar variation 4755783 (VCV004755783.1).
Genomic context (GRCh38, chr5:134,201,964, plus strand): 5'-TCCAAACATTTGCATTTCCATATTTTCTTAAACATTCATCATAGAAACCATAAACTTGTG[T>G]GATCTGTCTGCTCTCATGATTCCCTCGAAGAATGGTGATGCGTTCACGGTAACGAACCTA-3'
Protein context (NP_002706.1, residues 114-134): LRGNHESRQI[Thr124Pro]QVYGFYDECL